The following is an entry in ClinVar:

ClinVar aggregate classification (germline): Pathogenic (1 of 4 stars; one submission).

Conditions:
Developmental and epileptic encephalopathy, 23 (DEE23). Also called: Epileptic encephalopathy, early infantile, 23. Identifiers: Orphanet 411986, MedGen C4014492, MONDO:0014371, OMIM 615859.

Submission:

Labcorp Genetics (formerly Invitae), Labcorp
Classification: Pathogenic for Developmental and epileptic encephalopathy, 23. Last evaluated: 2023-08-27. Review status: criteria provided, single submitter. Criteria: Invitae Variant Classification Sherloc (09022015). Collection method: clinical testing. Allele origin: unknown.
Comment: This variant is a gross deletion of the genomic region encompassing exon(s) 1-34 of the DOCK7 gene, which includes the initiator codon. This deletion extends beyond the assayed region for this gene and therefore may encompass additional genes. It is expected to result in an absent or disrupted protein product. Loss-of-function variants in DOCK7 are known to be pathogenic (PMID: 24814191). This variant has not been reported in the literature in individuals affected with DOCK7-related conditions. For these reasons, this variant has been classified as Pathogenic.

Literature cited by the submitters: PubMed 24814191.

NC_000001.10:g.(?_62976228)_(63153935_?)del

Genes: ANGPTL3 (angiopoietin like 3; plus strand), DOCK7 (dedicator of cytokinesis 7; minus strand). Cytogenetic location: 1p31.3.
Variant type: Deletion.
Identifiers: ClinVar variation 3247842 (VCV003247842.1).